The following is an entry in ClinVar:

ClinVar aggregate classification (germline): Likely pathogenic (1 of 4 stars; one submission).

Submission:

Labcorp Genetics (formerly Invitae), Labcorp
Classification: Likely pathogenic. Last evaluated: 2023-02-02. Review status: criteria provided, single submitter. Criteria: Invitae Variant Classification Sherloc (09022015). Collection method: clinical testing. Allele origin: germline.
Comment: In summary, the currently available evidence indicates that the variant is pathogenic, but additional data are needed to prove that conclusively. Therefore, this variant has been classified as Likely Pathogenic. Algorithms developed to predict the effect of sequence changes on RNA splicing suggest that this variant may disrupt the consensus splice site. This variant has not been reported in the literature in individuals affected with EIF2B5-related conditions. This variant is not present in population databases (gnomAD no frequency). This sequence change affects a donor splice site in intron 10 of the EIF2B5 gene. It is expected to disrupt RNA splicing. Variants that disrupt the donor or acceptor splice site typically lead to a loss of protein function (PMID: 16199547), and loss-of-function variants in EIF2B5 are known to be pathogenic (PMID: 11704758, 15060152, 21307862).

Literature cited by the submitters: PubMed 16199547; PubMed 11704758; PubMed 15060152; PubMed 21307862.

NM_003907.3(EIF2B5):c.1546+2T>C

Gene: EIF2B5 (eukaryotic translation initiation factor 2B subunit epsilon; plus strand). Cytogenetic location: 3q27.1.
Variant type: single nucleotide variant.
Coding change: c.1546+2T>C on transcript NM_003907.3 (MANE Select); the canonical splice donor site of the intron after coding-DNA position 1546, T replaced by C.
Molecular consequence: splice donor variant.
Genome position (GRCh38, 1-based): chr3:184,142,605, T>C. VCF-style: chr3-184142605-T-C. GRCh37 (hg19) VCF-style: chr3-183860393-T-C.
Identifiers: ClinVar variation 2834012 (VCV002834012.3), dbSNP rs2473669779, ClinGen allele CA355391263.
Genomic context (GRCh38, chr3:184,142,605, plus strand): 5'-CTGGAAAGCTGCAGGCATGAACATGGAGGAAGAGGAGGAACTGCAGCAGAATCTGTGGGG[T>C]GAGCTAGGCCTGATGCCTGCCCTTCTCCTCCTGAATCGGAATATTTTGAAGGATAATGAA-3'